The following is an entry in ClinVar:

ClinVar aggregate classification (germline): Benign/Likely benign. Review status: criteria provided, multiple submitters, no conflicts (2 of 4 stars). 4 submissions from 4 submitters: Benign (1); Likely benign (3). Last evaluated 2025-05-27.

Conditions:
Hereditary cancer-predisposing syndrome. Also called: Neoplastic Syndromes, Hereditary; Hereditary Cancer Syndrome; Tumor predisposition; Hereditary neoplastic syndrome. Identifiers: Orphanet 140162, MedGen C0027672, MeSH D009386, MONDO:0015356.
Familial cancer of breast. Also called: Hereditary breast cancer; hereditary breast carcinoma; BREAST CANCER, FAMILIAL. Identifiers: Orphanet 227535, MedGen C0346153, MONDO:0016419, OMIM 114480. Disease mechanism: loss of function.

gnomAD v4.1: 1 of 1,614,130 alleles (0.000062%); highest among the groups gnomAD compares: Admixed American, 0.0017%; no homozygotes.

Submissions (4):

Labcorp Genetics (formerly Invitae), Labcorp
Classification: Likely benign for Familial cancer of breast. Last evaluated: 2025-05-27. Review status: criteria provided, single submitter. Criteria: Invitae Variant Classification Sherloc (09022015). Collection method: clinical testing. Allele origin: germline.

Myriad Genetics, Inc.
Classification: Benign for Familial cancer of breast. Last evaluated: 2025-01-13. Review status: criteria provided, single submitter. Criteria: Myriad Autosomal Dominant, Autosomal Recessive and X-Linked Classification Criteria (2023). Collection method: clinical testing. Allele origin: unknown.
Comment: This variant is considered benign. This variant is a silent/synonymous amino acid change and it is not expected to impact splicing.

Color Diagnostics, LLC DBA Color Health
Classification: Likely benign for Hereditary cancer-predisposing syndrome. Last evaluated: 2021-12-29. Review status: criteria provided, single submitter. Criteria: ACMG Guidelines, 2015. Collection method: clinical testing. Allele origin: germline.

Ambry Genetics
Classification: Likely benign for Hereditary cancer-predisposing syndrome. Last evaluated: 2021-07-09. Review status: criteria provided, single submitter. Criteria: Ambry Variant Classification Scheme 2023. Collection method: clinical testing. Allele origin: germline.

NM_024675.4(PALB2):c.1221A>G (p.Glu407=)

Gene: PALB2 (partner and localizer of BRCA2; minus strand). Cytogenetic location: 16p12.2.
Variant type: single nucleotide variant.
Coding change: c.1221A>G on transcript NM_024675.4 (MANE Select); coding-DNA position 1221, A replaced by G.
Protein change: p.Glu407=; no amino-acid change (glutamic acid 407 retained).
Molecular consequence: synonymous variant.
Genome position (GRCh38, 1-based): chr16:23,635,325, T>C on the plus strand (A>G on the coding strand, the complement: PALB2 is on the minus strand). VCF-style: chr16-23635325-T-C. GRCh37 (hg19) VCF-style: chr16-23646646-T-C.
Identifiers: ClinVar variation 705165 (VCV000705165.17), dbSNP rs1597096669, ClinGen allele CA494461752.